The following is an entry in ClinVar:

ClinVar aggregate classification (germline): Uncertain significance (1 of 4 stars; one submission).

Conditions:
Hereditary cancer-predisposing syndrome. Also called: Neoplastic Syndromes, Hereditary; Tumor predisposition; Hereditary neoplastic syndrome; Hereditary Cancer Syndrome. Identifiers: Orphanet 140162, MedGen C0027672, MeSH D009386, MONDO:0015356.
Cardiovascular phenotype. Identifiers: MedGen CN230736.

Submission:

Ambry Genetics
Classification: Uncertain significance for Cardiovascular phenotype; Hereditary cancer-predisposing syndrome. Last evaluated: 2025-05-09. Review status: criteria provided, single submitter. Criteria: Ambry Variant Classification Scheme 2023. Collection method: clinical testing. Allele origin: germline.
Comment: The p.S1355L variant (also known as c.4064C>T), located in coding exon 30 of the NF1 gene, results from a C to T substitution at nucleotide position 4064. The serine at codon 1355 is replaced by leucine, an amino acid with dissimilar properties. This amino acid position is well conserved in available vertebrate species. In addition, this alteration is predicted to be tolerated by in silico analysis. Based on the available evidence, the clinical significance of this variant remains unclear.

NM_001042492.3(NF1):c.4064C>T (p.Ser1355Leu)

Gene: NF1 (neurofibromin 1; plus strand). Cytogenetic location: 17q11.2.
Variant type: single nucleotide variant.
Coding change: c.4064C>T on transcript NM_001042492.3 (MANE Select); coding-DNA position 4064, C replaced by T.
Protein change: p.Ser1355Leu; replaces serine 1355 with leucine.
Molecular consequence: missense variant.
Genome position (GRCh38, 1-based): chr17:31,249,073, C>T. VCF-style: chr17-31249073-C-T. GRCh37 (hg19) VCF-style: chr17-29576091-C-T.
Other names: c.4064C>T, p.Ser1355Leu (NM_000267.4); short protein forms S1355L.
Identifiers: ClinVar variation 824557 (VCV000824557.5), dbSNP rs1131691087, ClinGen allele CA398995008.
Genomic context (GRCh38, chr17:31,249,073, plus strand): 5'-ACCAGCGGAACCTCCTTCAGATGACTGAAAAGTTCTTCCATGCCATCATCAGTTCCTCCT[C>T]AGAATTCCCCCCTCAACTTCGAAGTGTGTGCCACTGTTTATACCAGGTATGCTTACAGTT-3'
Protein context (NP_001035957.1, residues 1345-1365): KFFHAIISSS[Ser1355Leu]EFPPQLRSVC